The following is an entry in ClinVar:

ClinVar aggregate classification (germline): Uncertain significance. Review status: criteria provided, multiple submitters, no conflicts (2 of 4 stars). 3 submissions from 3 submitters: Uncertain significance (3). Last evaluated 2025-08-03.

Conditions:
Hereditary cancer-predisposing syndrome. Also called: Neoplastic Syndromes, Hereditary; Tumor predisposition; Hereditary Cancer Syndrome; Hereditary neoplastic syndrome. Identifiers: Orphanet 140162, MedGen C0027672, MeSH D009386, MONDO:0015356.

Allele frequency attached by ClinVar (database versions not stated): TOPMed 0.00001.

Submissions (3):

Labcorp Genetics (formerly Invitae), Labcorp
Classification: Uncertain significance. Last evaluated: 2025-08-03. Review status: criteria provided, single submitter. Criteria: Invitae Variant Classification Sherloc (09022015). Collection method: clinical testing. Allele origin: germline.
Comment: This sequence change replaces isoleucine, which is neutral and non-polar, with methionine, which is neutral and non-polar, at codon 850 of the POLE protein (p.Ile850Met). This variant is not present in population databases (gnomAD no frequency). This variant has not been reported in the literature in individuals affected with POLE-related conditions. ClinVar contains an entry for this variant (Variation ID: 473538). Invitae Evidence Modeling of protein sequence and biophysical properties (such as structural, functional, and spatial information, amino acid conservation, physicochemical variation, residue mobility, and thermodynamic stability) indicates that this missense variant is not expected to disrupt POLE protein function with a negative predictive value of 80%. In summary, the available evidence is currently insufficient to determine the role of this variant in disease. Therefore, it has been classified as a Variant of Uncertain Significance.

Ambry Genetics
Classification: Uncertain significance for Hereditary cancer-predisposing syndrome. Last evaluated: 2025-01-27. Review status: criteria provided, single submitter. Criteria: Ambry Variant Classification Scheme 2023. Collection method: clinical testing. Allele origin: germline.
Comment: The p.I850M variant (also known as c.2550C>G), located in coding exon 22 of the POLE gene, results from a C to G substitution at nucleotide position 2550. The isoleucine at codon 850 is replaced by methionine, an amino acid with highly similar properties. This amino acid position is well conserved in available vertebrate species. In addition, this alteration is predicted to be tolerated by in silico analysis. Based on the available evidence, the clinical significance of this variant remains unclear.

GeneDx
Classification: Uncertain significance. Last evaluated: 2021-09-21. Review status: criteria provided, single submitter. Criteria: GeneDx Variant Classification Process June 2021. Collection method: clinical testing. Allele origin: germline. Affected: yes.
Comment: Not observed at significant frequency in large population cohorts (Lek et al., 2016); In silico analysis supports that this missense variant has a deleterious effect on protein structure/function; Has not been previously published as pathogenic or benign to our knowledge

NM_006231.4(POLE):c.2550C>G (p.Ile850Met)

Gene: POLE (DNA polymerase epsilon, catalytic subunit; minus strand). Cytogenetic location: 12q24.33.
Variant type: single nucleotide variant.
Coding change: c.2550C>G on transcript NM_006231.4 (MANE Select); coding-DNA position 2550, C replaced by G.
Protein change: p.Ile850Met; replaces isoleucine 850 with methionine.
Molecular consequence: missense variant.
Genome position (GRCh38, 1-based): chr12:132,664,381, G>C on the plus strand (C>G on the coding strand, the complement: POLE is on the minus strand). VCF-style: chr12-132664381-G-C. GRCh37 (hg19) VCF-style: chr12-133240967-G-C.
Other names: c.2550C>G (NM_006231.2); short protein forms I850M.
Identifiers: ClinVar variation 473538 (VCV000473538.11), dbSNP rs5744834, ClinGen allele CA246318820.
Genomic context (GRCh38, chr12:132,664,381, plus strand): 5'-TTGCCCCCAGGACCTGCTCCCAGCCCCACGGCTCCCCTTCTGCACTCACCCAATCTGCTC[G>C]ATCAGCTCCCGTGCCTGGGTGATGATGTTGGCCCCTGTGAAGCAGACGATGCCAGCCATC-3'
Protein context (NP_006222.2, residues 840-860): ANIITQAREL[Ile850Met]EQIGRPLELD